The following is an entry in ClinVar:

NM_000138.5(FBN1):c.5917+6T>C

Gene: FBN1 (fibrillin 1; minus strand). Cytogenetic location: 15q21.1.
Variant type: single nucleotide variant.
Coding change: c.5917+6T>C on transcript NM_000138.5 (MANE Select); 6 bases into the intron after coding-DNA position 5917, T replaced by C.
Molecular consequence: intron variant.
Genome position (GRCh38, 1-based): chr15:48,445,370, A>G on the plus strand (T>C on the coding strand, the complement: FBN1 is on the minus strand). VCF-style: chr15-48445370-A-G. GRCh37 (hg19) VCF-style: chr15-48737567-A-G.
Identifiers: ClinVar variation 517120 (VCV000517120.5), dbSNP rs1555395742, ClinGen allele CA645584727.

ClinVar aggregate classification (germline): Pathogenic/Likely pathogenic. Review status: criteria provided, multiple submitters, no conflicts (2 of 4 stars). 3 submissions from 3 submitters: Pathogenic (1); Likely pathogenic (1). 1 of the submissions does not count toward it. Last evaluated 2024-07-08.

Conditions:
Marfan syndrome (MFS). Also called: Marfan syndrome type 1; Marfan syndrome, classic; Marfan's syndrome; FBN1-Related Marfan Syndrome; MARFAN SYNDROME, TYPE I. Identifiers: Orphanet 284963, Orphanet 558, MedGen C0024796, MONDO:0007947, OMIM 154700.
Familial thoracic aortic aneurysm and aortic dissection (TAAD). Also called: Thoracic aortic aneurysms and dissections. Identifiers: Orphanet 91387, MedGen C4707243, MONDO:0019625.

Submissions (3):

Labcorp Genetics (formerly Invitae), Labcorp
Classification: Pathogenic for Marfan syndrome; Familial thoracic aortic aneurysm and aortic dissection. Last evaluated: 2024-07-08. Review status: criteria provided, single submitter. Criteria: Invitae Variant Classification Sherloc (09022015). Collection method: clinical testing. Allele origin: germline.
Comment: This sequence change falls in intron 48 of the FBN1 gene. It does not directly change the encoded amino acid sequence of the FBN1 protein. RNA analysis indicates that this variant induces altered splicing and likely results in a shortened protein product. This variant is not present in population databases (gnomAD no frequency). This variant has been observed in individuals with Marfan syndrome (PMID: 22772377, 29543232). It has also been observed to segregate with disease in related individuals. ClinVar contains an entry for this variant (Variation ID: 517120). Variants that disrupt the consensus splice site are a relatively common cause of aberrant splicing (PMID: 17576681, 9536098). Studies have shown that this variant results in skipping of exon 47, but is expected to preserve the integrity of the reading-frame (PMID: 22772377). For these reasons, this variant has been classified as Pathogenic.

Kasturba Medical College, Manipal, Kasturba Medical College, Manipal, Manipal Academy of Higher Education, Manipal, India
Classification: Likely pathogenic for Marfan syndrome. Review status: criteria provided, single submitter. Criteria: ACMG Guidelines, 2015. Collection method: research. Allele origin: de novo. Inheritance: Autosomal dominant inheritance. Affected: yes. Observed: 1 heterozygote.
Comment: The variant c.5917+6T>C has not been observed in gnomAD (V4.0.0) population database and in our in-house data of 3464 exomes.

Centre for Genomic and Experimental Medicine, University of Edinburgh
Classification: Likely pathogenic for Familial thoracic aortic aneurysm and aortic dissection. Review status: no assertion criteria provided. Collection method: research. Allele origin: unknown. Affected: yes. Not counted in ClinVar's aggregate classification.

Literature cited by the submitters: PubMed 22772377 (cited by Labcorp Genetics (formerly Invitae), Labcorp and Kasturba Medical College, Manipal, Kasturba Medical College, Manipal, Manipal Academy of Higher Education, Manipal, India); PubMed 29543232 (cited by Labcorp Genetics (formerly Invitae), Labcorp); PubMed 17576681 (cited by Labcorp Genetics (formerly Invitae), Labcorp); PubMed 9536098 (cited by Labcorp Genetics (formerly Invitae), Labcorp).